The following is an entry in ClinVar:

ClinVar aggregate classification (germline): Uncertain significance. Review status: criteria provided, multiple submitters, no conflicts (2 of 4 stars). 2 submissions from 2 submitters: Uncertain significance (2). Last evaluated 2026-07-06.

Conditions:
Hereditary cancer-predisposing syndrome. Also called: Tumor predisposition; Hereditary Cancer Syndrome; Hereditary neoplastic syndrome; Neoplastic Syndromes, Hereditary. Identifiers: Orphanet 140162, MedGen C0027672, MeSH D009386, MONDO:0015356.

Submissions (2):

Ambry Genetics
Classification: Uncertain significance for Hereditary cancer-predisposing syndrome. Last evaluated: 2026-07-06. Review status: criteria provided, single submitter. Criteria: Ambry Variant Classification Scheme 2023. Collection method: clinical testing. Allele origin: germline.
Comment: The p.P867S variant (also known as c.2599C>T), located in coding exon 11 of the MET gene, results from a C to T substitution at nucleotide position 2599. The proline at codon 867 is replaced by serine, an amino acid with similar properties. This amino acid position is conserved. In addition, this alteration is predicted to be tolerated by in silico analysis. Based on the available evidence, the clinical significance of this variant remains unclear.

GeneDx
Classification: Uncertain significance. Last evaluated: 2023-11-12. Review status: criteria provided, single submitter. Criteria: GeneDx Variant Classification Process June 2021. Collection method: clinical testing. Allele origin: germline. Affected: yes.
Comment: Not observed at significant frequency in large population cohorts (gnomAD); In silico analysis supports that this missense variant does not alter protein structure/function; Has not been previously published as pathogenic or benign to our knowledge

NM_000245.4(MET):c.2599C>T (p.Pro867Ser)

Gene: MET (MET proto-oncogene, receptor tyrosine kinase; plus strand). Cytogenetic location: 7q31.2.
Variant type: single nucleotide variant.
Coding change: c.2599C>T on transcript NM_000245.4 (MANE Select); coding-DNA position 2599, C replaced by T.
Protein change: p.Pro867Ser; replaces proline 867 with serine.
Molecular consequence: missense variant.
Genome position (GRCh38, 1-based): chr7:116,769,660, C>T. VCF-style: chr7-116769660-C-T. GRCh37 (hg19) VCF-style: chr7-116409714-C-T.
Other names: c.2653C>T, p.Pro885Ser (NM_001127500.3); c.2599C>T, p.Pro867Ser (NM_001324401.3); c.1309C>T, p.Pro437Ser (NM_001324402.2); c.2599C>T (NM_000245.2); short protein forms P437S, P867S, P885S.
Identifiers: ClinVar variation 3364305 (VCV003364305.2).